The following is an entry in ClinVar:

NM_001042492.3(NF1):c.1618G>C (p.Glu540Gln)

Gene: NF1 (neurofibromin 1; plus strand). Cytogenetic location: 17q11.2.
Variant type: single nucleotide variant.
Coding change: c.1618G>C on transcript NM_001042492.3 (MANE Select); coding-DNA position 1618, G replaced by C.
Protein change: p.Glu540Gln; replaces glutamic acid 540 with glutamine.
Molecular consequence: missense variant.
Genome position (GRCh38, 1-based): chr17:31,219,095, G>C. VCF-style: chr17-31219095-G-C. GRCh37 (hg19) VCF-style: chr17-29546113-G-C.
Other names: c.1618G>C, p.Glu540Gln (NM_000267.4, NM_001128147.3); short protein forms E540Q.
Identifiers: ClinVar variation 3404791 (VCV003404791.2).

ClinVar aggregate classification (germline): Conflicting classifications of pathogenicity. Review status: criteria provided, conflicting classifications (1 of 4 stars). 2 submissions from 2 submitters: Uncertain significance (1); Likely benign (1). Last evaluated 2026-01-15.

Conditions:
Neurofibromatosis, type 1 (NF1). Also called: NEUROFIBROMATOSIS, TYPE I, SOMATIC; Neurofibromatosis, type I; Peripheral type neurofibromatosis; VON RECKLINGHAUSEN DISEASE. Identifiers: Orphanet 636, MedGen C0027831, MONDO:0018975, OMIM 162200. Disease mechanism: loss of function.
Hereditary cancer-predisposing syndrome. Also called: Hereditary Cancer Syndrome; Hereditary neoplastic syndrome; Neoplastic Syndromes, Hereditary; Tumor predisposition. Identifiers: Orphanet 140162, MedGen C0027672, MeSH D009386, MONDO:0015356.
Cardiovascular phenotype. Identifiers: MedGen CN230736.

Submissions (2):

Labcorp Genetics (formerly Invitae), Labcorp
Classification: Uncertain significance for Neurofibromatosis, type 1. Last evaluated: 2026-01-15. Review status: criteria provided, single submitter. Criteria: Invitae Variant Classification Sherloc (09022015). Collection method: clinical testing. Allele origin: germline.
Comment: This sequence change replaces glutamic acid, which is acidic and polar, with glutamine, which is neutral and polar, at codon 540 of the NF1 protein (p.Glu540Gln). This variant is not present in population databases (gnomAD no frequency). This variant has not been reported in the literature in individuals affected with NF1-related conditions. ClinVar contains an entry for this variant (Variation ID: 3404791). Invitae Evidence Modeling of protein sequence and biophysical properties (such as structural, functional, and spatial information, amino acid conservation, physicochemical variation, residue mobility, and thermodynamic stability) indicates that this missense variant is not expected to disrupt NF1 protein function with a negative predictive value of 95%. In summary, the available evidence is currently insufficient to determine the role of this variant in disease. Therefore, it has been classified as a Variant of Uncertain Significance.

Ambry Genetics
Classification: Likely benign for Cardiovascular phenotype; Hereditary cancer-predisposing syndrome. Last evaluated: 2024-10-27. Review status: criteria provided, single submitter. Criteria: Ambry Variant Classification Scheme 2023. Collection method: clinical testing. Allele origin: germline.